The following is an entry in ClinVar:

ClinVar aggregate classification (germline): Uncertain significance. Review status: criteria provided, multiple submitters, no conflicts (2 of 4 stars). 2 submissions from 2 submitters: Uncertain significance (2). Last evaluated 2026-03-29.

Conditions:
Hereditary cancer-predisposing syndrome. Also called: Hereditary neoplastic syndrome; Tumor predisposition; Hereditary Cancer Syndrome; Neoplastic Syndromes, Hereditary. Identifiers: Orphanet 140162, MedGen C0027672, MeSH D009386, MONDO:0015356.
Gorlin syndrome. Also called: Basal cell nevus syndrome; Nevoid Basal Cell Carcinoma Syndrome. Identifiers: Orphanet 377, MedGen C0004779, MONDO:0007187.

gnomAD v4.1: 1 of 1,614,138 alleles (0.000062%); highest among the groups gnomAD compares: Non-Finnish European, 0.000085%; no homozygotes.

Submissions (2):

Ambry Genetics
Classification: Uncertain significance for Hereditary cancer-predisposing syndrome. Last evaluated: 2026-03-29. Review status: criteria provided, single submitter. Criteria: Ambry Variant Classification Scheme 2023. Collection method: clinical testing. Allele origin: germline.
Comment: The p.K1077N variant (also known as c.3231G>T), located in coding exon 19 of the PTCH1 gene, results from a G to T substitution at nucleotide position 3231. The lysine at codon 1077 is replaced by asparagine, an amino acid with similar properties. This amino acid position is conserved. In addition, the in silico prediction for this alteration is inconclusive. Based on the available evidence, the clinical significance of this variant remains unclear.

Labcorp Genetics (formerly Invitae), Labcorp
Classification: Uncertain significance for Gorlin syndrome. Last evaluated: 2025-12-13. Review status: criteria provided, single submitter. Criteria: Invitae Variant Classification Sherloc (09022015). Collection method: clinical testing. Allele origin: germline.
Comment: This sequence change replaces lysine, which is basic and polar, with asparagine, which is neutral and polar, at codon 1077 of the PTCH1 protein (p.Lys1077Asn). This variant is not present in population databases (gnomAD no frequency). This variant has not been reported in the literature in individuals affected with PTCH1-related conditions. ClinVar contains an entry for this variant (Variation ID: 3615300). Invitae Evidence Modeling of protein sequence and biophysical properties (such as structural, functional, and spatial information, amino acid conservation, physicochemical variation, residue mobility, and thermodynamic stability) has been performed for this missense variant. However, the output from this modeling did not meet the statistical confidence thresholds required to predict the impact of this variant on PTCH1 protein function. In summary, the available evidence is currently insufficient to determine the role of this variant in disease. Therefore, it has been classified as a Variant of Uncertain Significance.

NM_000264.5(PTCH1):c.3231G>T (p.Lys1077Asn)

Gene: PTCH1 (patched 1; minus strand). Cytogenetic location: 9q22.32.
Variant type: single nucleotide variant.
Coding change: c.3231G>T on transcript NM_000264.5 (MANE Select); coding-DNA position 3231, G replaced by T.
Protein change: p.Lys1077Asn; replaces lysine 1077 with asparagine.
Molecular consequence: missense variant. On other transcripts: non-coding transcript variant (1).
Genome position (GRCh38, 1-based): chr9:95,456,351, C>A on the plus strand (G>T on the coding strand, the complement: PTCH1 is on the minus strand). VCF-style: chr9-95456351-C-A. GRCh37 (hg19) VCF-style: chr9-98218633-C-A.
Other names: c.2778G>T, p.Lys926Asn (NM_001083606.3, NM_001083607.3, NM_001083604.3 and 1 more transcripts); c.3075G>T, p.Lys1025Asn (NM_001354918.2); c.3033G>T, p.Lys1011Asn (NM_001083602.3); c.3228G>T, p.Lys1076Asn (NM_001083603.3); short protein forms K1011N, K1025N, K1076N, K1077N, K926N.
Identifiers: ClinVar variation 3615300 (VCV003615300.3).